The following is an entry in ClinVar:

NM_000051.4(ATM):c.1966A>G (p.Thr656Ala)

Gene: ATM (ATM serine/threonine kinase; plus strand). Cytogenetic location: 11q22.3.
Variant type: single nucleotide variant.
Coding change: c.1966A>G on transcript NM_000051.4 (MANE Select); coding-DNA position 1966, A replaced by G.
Protein change: p.Thr656Ala; replaces threonine 656 with alanine.
Molecular consequence: missense variant.
Genome position (GRCh38, 1-based): chr11:108,253,881, A>G. VCF-style: chr11-108253881-A-G. GRCh37 (hg19) VCF-style: chr11-108124608-A-G.
Other names: c.1966A>G, p.Thr656Ala (NM_001351834.2); short protein forms T656A.
Identifiers: ClinVar variation 418025 (VCV000418025.24), dbSNP rs1064793032, ClinGen allele CA16619130.

ClinVar aggregate classification (germline): Uncertain significance. Review status: criteria provided, multiple submitters, no conflicts (2 of 4 stars). 5 submissions from 5 submitters: Uncertain significance (5). Last evaluated 2025-12-08.

Conditions:
Hereditary cancer-predisposing syndrome. Also called: Tumor predisposition; Neoplastic Syndromes, Hereditary; Hereditary Cancer Syndrome; Hereditary neoplastic syndrome. Identifiers: Orphanet 140162, MedGen C0027672, MeSH D009386, MONDO:0015356.
Ataxia-telangiectasia syndrome (AT). Also called: Ataxia-telangiectasia; Cerebello-oculocutaneous telangiectasia; Immunodeficiency with ataxia telangiectasia; ATAXIA-TELANGIECTASIA, COMPLEMENTATION GROUP A; ATAXIA-TELANGIECTASIA, FRESNO VARIANT; Ataxia-telangiectasia, complementation group D. Identifiers: Orphanet 100, MedGen C0004135, MONDO:0008840, OMIM 208900.

Allele frequency attached by ClinVar (database versions not stated): gnomAD exomes below 0.00001; gnomAD 0.00001; TOPMed 0.00001.
gnomAD v4.1: 7 of 1,613,968 alleles (0.00043%); highest among the groups gnomAD compares: Admixed American, 0.0067%; no homozygotes.

Submissions (5):

Ambry Genetics
Classification: Uncertain significance for Hereditary cancer-predisposing syndrome. Last evaluated: 2025-12-08. Review status: criteria provided, single submitter. Criteria: Ambry Variant Classification Scheme 2023. Collection method: clinical testing. Allele origin: germline.

Labcorp Genetics (formerly Invitae), Labcorp
Classification: Uncertain significance for Ataxia-telangiectasia syndrome. Last evaluated: 2025-10-07. Review status: criteria provided, single submitter. Criteria: Invitae Variant Classification Sherloc (09022015). Collection method: clinical testing. Allele origin: germline.
Comment: This sequence change replaces threonine, which is neutral and polar, with alanine, which is neutral and non-polar, at codon 656 of the ATM protein (p.Thr656Ala). This variant is not present in population databases (gnomAD no frequency). This variant has not been reported in the literature in individuals affected with ATM-related conditions. ClinVar contains an entry for this variant (Variation ID: 418025). Invitae Evidence Modeling of protein sequence and biophysical properties (such as structural, functional, and spatial information, amino acid conservation, physicochemical variation, residue mobility, and thermodynamic stability) indicates that this missense variant is not expected to disrupt ATM protein function with a negative predictive value of 95%. In summary, the available evidence is currently insufficient to determine the role of this variant in disease. Therefore, it has been classified as a Variant of Uncertain Significance.

GeneDx
Classification: Uncertain significance. Last evaluated: 2023-09-21. Review status: criteria provided, single submitter. Criteria: GeneDx Variant Classification Process June 2021. Collection method: clinical testing. Allele origin: germline. Affected: yes.
Comment: Not observed at significant frequency in large population cohorts (gnomAD); In silico analysis supports that this missense variant does not alter protein structure/function; Observed in individuals with personal and/or family history of breast or ovarian cancer (Tavera-Tapia et al., 2017; Dorling et al., 2021); This variant is associated with the following publications: (PMID: 27913932, 33471991)

Color Diagnostics, LLC DBA Color Health
Classification: Uncertain significance for Hereditary cancer-predisposing syndrome. Last evaluated: 2023-03-20. Review status: criteria provided, single submitter. Criteria: ACMG Guidelines, 2015. Collection method: clinical testing. Allele origin: germline.
Comment: This missense variant replaces threonine with alanine at codon 656 of the ATM protein. Computational prediction suggests that this variant may not impact protein structure and function (internally defined REVEL score threshold <= 0.5, PMID: 27666373). To our knowledge, functional studies have not been performed for this variant. In a large international case-control study, this variant was reported in 1/60466 breast cancer cases and absent in 53461 controls (PMID: 33471991). This variant has not been identified in the general population by the Genome Aggregation Database (gnomAD). The available evidence is insufficient to determine the role of this variant in disease conclusively. Therefore, this variant is classified as a Variant of Uncertain Significance.

Sema4
Classification: Uncertain significance for Hereditary cancer-predisposing syndrome. Last evaluated: 2021-08-18. Review status: criteria provided, single submitter. Criteria: Sema4 Curation Guidelines. Collection method: curation. Allele origin: germline.
Comment: The ATM c.1966A>G (p.T656A) variant has been reported in heterozygosity in at least one individual with breast cancer (PMID: 33471991). It was not observed in the large and broad cohorts of the Genome Aggregation Database. The variant has been reported in ClinVar (Variation ID 418025). Functional studies have not been performed, and in silico predictions of the variant's effect on protein function are inconclusive. The evidence is insufficient to meet ACMG/AMP criteria for classifying the variant as benign or pathogenic. Thus, the clinical significance of this variant is currently uncertain.

Literature cited by the submitters: PubMed 33471991 (cited by Color Diagnostics, LLC DBA Color Health and Sema4).